The following is an entry in ClinVar:

NM_000256.3(MYBPC3):c.(?_2906)_(3627_?)del

Gene: MYBPC3 (myosin binding protein C3; minus strand). Cytogenetic location: 11p11.2.
Variant type: Deletion.
Coding change: c.(?_2906)_(3627_?)del on transcript NM_000256.3; a large deletion whose breakpoints are not mapped to the base.
Other names: c.(?_2906)_(3627_?)del (NM_000256.3, LRG_386t1).
Identifiers: ClinVar variation 228366 (VCV000228366.4).

ClinVar aggregate classification (germline): Pathogenic (1 of 4 stars; one submission).

Conditions:
Hypertrophic cardiomyopathy. Also called: HYPERTROPHIC MYOCARDIOPATHY. Identifiers: Orphanet 217569, MedGen C0007194, MeSH D002312, MONDO:0005045, HP:0001639.

Submission:

Laboratory for Molecular Medicine, Mass General Brigham Personalized Medicine
Classification: Pathogenic for Hypertrophic cardiomyopathy. Last evaluated: 2015-07-02. Review status: criteria provided, single submitter. Criteria: LMM Criteria. Collection method: clinical testing. Allele origin: germline. Inheritance: Autosomal dominant inheritance. Observed: 1 variant allele.
Comment: The c.(?_2906)_(3627_?)del variant in MYBPC3 is a deletion of exons 28-32, which is predicted alter the reading frame leading to a truncated or absent protein. While large MYBPC3 deletions are rare (Chavanat 2012), heterozygous loss of func tion of the MYBPC3 gene is an established disease mechanism in individuals with HCM. In summary, this variant meets our criteria to be classified as pathogenic for HCM in an autosomal dominant manner based on the predicted impact of the var iant.

Literature cited by the submitters: PubMed 12788380; PubMed 21915287; PubMed 22314326; PubMed 19151713.